The following is an entry in ClinVar:

ClinVar aggregate classification (germline): Uncertain significance (1 of 4 stars; one submission).

Conditions:
Klippel-Feil syndrome 1, autosomal dominant (KFS1). Also called: CERVICAL VERTEBRAL FUSION, AUTOSOMAL DOMINANT. Identifiers: Orphanet 2345, MedGen C1861689, MONDO:0007306, OMIM 118100.
Isolated microphthalmia 4. Identifiers: Orphanet 2542, MedGen C2751307, MONDO:0013130, OMIM 613094.
Leber congenital amaurosis 17 (LCA17). Identifiers: Orphanet 65, MedGen C3715164, MONDO:0014145, OMIM 615360.
Microphthalmia, isolated, with coloboma 6 (MCOPCB6). Also called: Microphthalmia with coloboma 6, digenic; Microphthalmia with coloboma 6; MICROPHTHALMIA/COLOBOMA 6. Identifiers: Orphanet 98938, MedGen C3150968, MONDO:0013376, OMIM 613703.

Allele frequency attached by ClinVar (database versions not stated): gnomAD below 0.00001 and 0.00001; gnomAD exomes below 0.00001; TOPMed below 0.00001; ExAC 0.00001.
gnomAD v4.1: 4 of 1,614,128 alleles (0.00025%); highest among the groups gnomAD compares: South Asian, 0.0044%; no homozygotes.

Submission:

Labcorp Genetics (formerly Invitae), Labcorp
Classification: Uncertain significance for Isolated microphthalmia 4; Leber congenital amaurosis 17; Klippel-Feil syndrome 1, autosomal dominant; Microphthalmia, isolated, with coloboma 6. Last evaluated: 2023-08-04. Review status: criteria provided, single submitter. Criteria: Invitae Variant Classification Sherloc (09022015). Collection method: clinical testing. Allele origin: germline.
Comment: This sequence change replaces serine, which is neutral and polar, with phenylalanine, which is neutral and non-polar, at codon 121 of the GDF6 protein (p.Ser121Phe). This variant has not been reported in the literature in individuals affected with GDF6-related conditions. This variant is present in population databases (rs772435568, gnomAD 0.003%). ClinVar contains an entry for this variant (Variation ID: 968855). In summary, the available evidence is currently insufficient to determine the role of this variant in disease. Therefore, it has been classified as a Variant of Uncertain Significance. Advanced modeling of protein sequence and biophysical properties (such as structural, functional, and spatial information, amino acid conservation, physicochemical variation, residue mobility, and thermodynamic stability) has been performed at Invitae for this missense variant, however the output from this modeling did not meet the statistical confidence thresholds required to predict the impact of this variant on GDF6 protein function.

NM_001001557.4(GDF6):c.362C>T (p.Ser121Phe)

Gene: GDF6 (growth differentiation factor 6; minus strand). Cytogenetic location: 8q22.1.
Variant type: single nucleotide variant.
Coding change: c.362C>T on transcript NM_001001557.4 (MANE Select); coding-DNA position 362, C replaced by T.
Protein change: p.Ser121Phe; replaces serine 121 with phenylalanine.
Molecular consequence: missense variant.
Genome position (GRCh38, 1-based): chr8:96,160,331, G>A on the plus strand (C>T on the coding strand, the complement: GDF6 is on the minus strand). VCF-style: chr8-96160331-G-A. GRCh37 (hg19) VCF-style: chr8-97172559-G-A.
Other names: short protein forms S121F.
Identifiers: ClinVar variation 968855 (VCV000968855.10), dbSNP rs772435568, ClinGen allele CA4815492.